The following is an entry in ClinVar:

NM_005591.4(MRE11):c.1007G>A (p.Cys336Tyr)

Gene: MRE11 (MRE11 double strand break repair nuclease; minus strand). Cytogenetic location: 11q21.
Variant type: single nucleotide variant.
Coding change: c.1007G>A on transcript NM_005591.4 (MANE Select); coding-DNA position 1007, G replaced by A.
Protein change: p.Cys336Tyr; replaces cysteine 336 with tyrosine.
Molecular consequence: missense variant.
Genome position (GRCh38, 1-based): chr11:94,470,481, C>T on the plus strand (G>A on the coding strand, the complement: MRE11 is on the minus strand). VCF-style: chr11-94470481-C-T. GRCh37 (hg19) VCF-style: chr11-94203647-C-T.
Other names: c.1007G>A, p.Cys336Tyr (NM_001330347.2, NM_005590.4); short protein forms C336Y.
Identifiers: ClinVar variation 805020 (VCV000805020.2), dbSNP rs1228681022, ClinGen allele CA382374202.

ClinVar aggregate classification (germline): Uncertain significance. Review status: criteria provided, multiple submitters, no conflicts (2 of 4 stars). 2 submissions from 2 submitters: Uncertain significance (2). Last evaluated 2026-08-31.

Conditions:
Hereditary cancer-predisposing syndrome. Also called: Tumor predisposition; Hereditary Cancer Syndrome; Neoplastic Syndromes, Hereditary; Hereditary neoplastic syndrome. Identifiers: Orphanet 140162, MedGen C0027672, MeSH D009386, MONDO:0015356.

Submissions (2):

Ambry Genetics
Classification: Uncertain significance for Hereditary cancer-predisposing syndrome. Last evaluated: 2026-08-31. Review status: criteria provided, single submitter. Criteria: Ambry Variant Classification Scheme 2023. Collection method: clinical testing. Allele origin: germline.
Comment: The p.C336Y variant (also known as c.1007G>A), located in coding exon 8 of the MRE11A gene, results from a G to A substitution at nucleotide position 1007. The cysteine at codon 336 is replaced by tyrosine, an amino acid with highly dissimilar properties. This amino acid position is conserved. In addition, this alteration is predicted to be deleterious by in silico analysis. Based on the available evidence, the clinical significance of this variant remains unclear.

Athena Diagnostics
Classification: Uncertain significance. Last evaluated: 2019-03-21. Review status: criteria provided, single submitter. Criteria: Athena Diagnostics Criteria. Collection method: clinical testing. Allele origin: germline.